The following is an entry in ClinVar:

ClinVar aggregate classification (germline): Pathogenic. Review status: criteria provided, multiple submitters, no conflicts (2 of 4 stars). 5 submissions from 5 submitters: Pathogenic (5). Last evaluated 2026-02-18.

Conditions:
CEP290-related ciliopathy. Also called: CEP290 ciliopathy. Identifiers: MedGen CN305601, MONDO:0100451.
Joubert syndrome. Also called: Familial aplasia of the vermis; JOUBERT-BOLTSHAUSER SYNDROME. Identifiers: Orphanet 475, MedGen C5979921, MONDO:0018772.
Nephronophthisis. Also called: Juvenile Nephronophthisis. Identifiers: Orphanet 655, MedGen C0687120, MONDO:0019005, HP:0000090.
Meckel-Gruber syndrome. Also called: Dysencephalia splachnocystica; GRUBER SYNDROME; DYSENCEPHALIA SPLANCHNOCYSTICA. Identifiers: Orphanet 564, MedGen C0265215, MONDO:0018921.
Bardet-Biedl syndrome 14 (BBS14). Identifiers: Orphanet 110, MedGen C2673874, MONDO:0014442, OMIM 615991.
CEP290-related disorder. Also called: CEP290-related condition; CEP290-related disorders. Identifiers: MedGen CN239314.
Leber congenital amaurosis (LCA). Also called: Leber's amaurosis. Identifiers: Orphanet 65, MedGen C0339527, MeSH D057130, MONDO:0018998.

Allele frequency attached by ClinVar (database versions not stated): gnomAD exomes below 0.00001 and 0.00001; TOPMed below 0.00001.

Submissions (5):

Myriad Genetics, Inc.
Classification: Pathogenic for CEP290-related ciliopathy. Last evaluated: 2026-02-18. Review status: criteria provided, single submitter. Criteria: Myriad Autosomal Dominant, Autosomal Recessive and X-Linked Classification Criteria (2023). Collection method: clinical testing. Allele origin: unknown.
Comment: NM_025114.3(CEP290):c.5163delT(T1722Qfs*2) is a frameshift variant classified as pathogenic in the context of CEP290-related disorders. T1722Qfs*2 has been observed in cases with relevant disease (PMID: 17345604, 17617513, 17564967). Relevant functional assessments of this variant are not available in the literature. T1722Qfs*2 has been observed in referenced population frequency databases. In summary, NM_025114.3(CEP290):c.5163delT(T1722Qfs*2) is a frameshift variant that has been observed more frequently in cases with the relevant disease than in healthy populations. Please note: this variant was assessed in the context of healthy population screening.

Natera, Inc.
Classification: Pathogenic for Leber congenital amaurosis. Last evaluated: 2025-05-22. Review status: criteria provided, single submitter. Criteria: Natera Variant Classification Schema (03/2026). Collection method: clinical testing. Allele origin: germline.
Comment: The c.5163delT variant in CEP290 is a frameshift variant predicted to shift the reading frame beginning at codon 1722 and leads to a stop codon 2 codons downstream. This variant is expected to result in nonsense mediated decay, truncation, or a dysfunctional protein product. This variant is rare in the general population with a frequency below the threshold expected for the associated phenotype(s). This variant has been observed in one or more individuals affected with the associated recessive disease, as either homozygous or compound heterozygous with a second variant (PMID: 17345604). Given the available evidence, this variant is classified as Pathogenic.

Baylor Genetics
Classification: Pathogenic for Bardet-Biedl syndrome 14. Last evaluated: 2023-12-19. Review status: criteria provided, single submitter. Criteria: ACMG Guidelines, 2015. Collection method: clinical testing. Allele origin: unknown.

Labcorp Genetics (formerly Invitae), Labcorp
Classification: Pathogenic for Joubert syndrome; Meckel-Gruber syndrome; Nephronophthisis. Last evaluated: 2023-09-28. Review status: criteria provided, single submitter. Criteria: Invitae Variant Classification Sherloc (09022015). Collection method: clinical testing. Allele origin: germline.
Comment: For these reasons, this variant has been classified as Pathogenic. ClinVar contains an entry for this variant (Variation ID: 1394365). This premature translational stop signal has been observed in individual(s) with Leber congenital amaurosis or clinical features of Joubert syndrome (PMID: 17345604, 17617513). This variant is present in population databases (no rsID available, gnomAD 0.0009%). This sequence change creates a premature translational stop signal (p.Thr1722Glnfs*2) in the CEP290 gene. It is expected to result in an absent or disrupted protein product. Loss-of-function variants in CEP290 are known to be pathogenic (PMID: 16909394, 17345604, 20690115).

Blueprint Genetics
Classification: Pathogenic for CEP290-related disorders. Last evaluated: 2022-11-16. Review status: criteria provided, single submitter. Criteria: ACMG Guidelines, 2015. Collection method: clinical testing. Allele origin: germline. Affected: yes. Observed: 4 variant alleles.

Literature cited by the submitters: PubMed 17345604 (cited by 3 submitters); PubMed 17564967 (cited by Myriad Genetics, Inc.); PubMed 17617513 (cited by Myriad Genetics, Inc. and Labcorp Genetics (formerly Invitae), Labcorp); PubMed 16909394 (cited by Labcorp Genetics (formerly Invitae), Labcorp); PubMed 20690115 (cited by Labcorp Genetics (formerly Invitae), Labcorp).

NM_025114.4(CEP290):c.5163del (p.Thr1722fs)

Gene: CEP290 (centrosomal protein 290; minus strand). Cytogenetic location: 12q21.32.
Variant type: Deletion.
Coding change: c.5163del on transcript NM_025114.4 (MANE Select); coding-DNA position 5163, one base deleted (T; older notation c.5163delT).
Protein change: p.Thr1722fs; shifts the reading frame from threonine 1722.
Molecular consequence: frameshift variant.
Genome position (GRCh38, 1-based): chr12:88,080,245, A deleted on the plus strand (T on the coding strand, the reverse complement: CEP290 is on the minus strand). VCF-style (leftmost placement, unchanged base first): chr12-88080244-TA-T. GRCh37 (hg19) VCF-style: chr12-88474021-TA-T.
Other names: c.5163delT (NM_025114.3); short protein forms T1722fs.
Identifiers: ClinVar variation 1394365 (VCV001394365.13), dbSNP rs1565827171, ClinGen allele CA481075406.
Genomic context (GRCh38, chr12:88,080,244, plus strand): 5'-TCTGTTGTTTCTCCTTCAAGGCTAATTGGCTCTTTAGCCGTTCTACTAGATTTCTCATTG[TA>T]GTTGTTGGAGCTCTTGAATTTGCTTCTTTTTGAGCCTGAAGTTCAGATTTTAAACACTGT-3'